The following is an entry in ClinVar:

ClinVar aggregate classification (germline): Uncertain significance (1 of 4 stars; one submission).

Conditions:
Ventricular arrhythmias due to cardiac ryanodine receptor calcium release deficiency syndrome. Also called: Autosomal dominant cardiac arrhythmia (Kuhn). Identifiers: MedGen C5542154, MONDO:0020745, OMIM 115000.

Submission:

Victorian Clinical Genetics Services, Murdoch Childrens Research Institute
Classification: Uncertain significance for Ventricular arrhythmias due to cardiac ryanodine receptor calcium release deficiency syndrome. Last evaluated: 2025-11-26. Review status: criteria provided, single submitter. Criteria: ACMG Guidelines, 2015. Collection method: clinical testing. Allele origin: germline. Affected: yes.
Comment: This variant is classified as VUS-3B. Evidence in support of pathogenic classification: Variant is absent from gnomAD (v2, v3 and v4); Missense variant in a region that is highly intolerant to missense variation (high constraint region in DECIPHER). Evidence in support of benign classification: Same amino acid change has been observed in placental mammals. Additional information: Variant is predicted to result in a missense amino acid change from Thr to Ala; This variant is heterozygous; This gene is associated with autosomal dominant disease; Alternative amino acid change(s) at the same position are present in gnomAD (highest allele count: v4: 1 heterozygote(s), 0 homozygote(s)). - This variant has no previous evidence of pathogenicity; No published evidence of segregation with disease has been identified for this variant; No published functional evidence has been identified for this variant; No comparable missense variants have previous evidence for pathogenicity; Dominant negative and gain of function are known mechanisms of disease in this gene and are associated with catecholaminergic polymorphic ventricular tachycardia 1 (MIM#604772) and left ventricular non-compaction (PMIDs: 12459180, 27646203, 29477366, 31875585, 33500567). Loss of function has been reported for ventricular arrhythmias due to cardiac ryanodine receptor calcium release deficiency syndrome (MIM#115000), however dominant negative mechanism has not been excluded (PMID: 33536282); The condition associated with this gene has incomplete penetrance. Penetrance for CPVT is estimated to be 60-70% (PMID: 23549275); Inheritance information for this variant is not currently available in this individual.

Literature cited by the submitters: PubMed 33536282; PubMed 29477366; PubMed 27646203; PubMed 12459180; PubMed 23549275; PubMed 33500567; PubMed 31875585.

NM_001035.3(RYR2):c.6562A>G (p.Thr2188Ala)

Gene: RYR2 (ryanodine receptor 2; plus strand). Cytogenetic location: 1q43.
Variant type: single nucleotide variant.
Coding change: c.6562A>G on transcript NM_001035.3 (MANE Select); coding-DNA position 6562, A replaced by G.
Protein change: p.Thr2188Ala; replaces threonine 2188 with alanine.
Molecular consequence: missense variant.
Genome position (GRCh38, 1-based): chr1:237,633,584, A>G. VCF-style: chr1-237633584-A-G. GRCh37 (hg19) VCF-style: chr1-237796884-A-G.
Other names: short protein forms T2188A.
Identifiers: ClinVar variation 4819068 (VCV004819068.1).